The following is an entry in ClinVar:

NM_001163278.2(TENM1):c.1201G>A (p.Glu401Lys)

Gene: TENM1 (teneurin transmembrane protein 1; minus strand). Cytogenetic location: Xq25.
Variant type: single nucleotide variant.
Coding change: c.1201G>A on transcript NM_001163278.2 (MANE Select); coding-DNA position 1201, G replaced by A.
Protein change: p.Glu401Lys; replaces glutamic acid 401 with lysine.
Molecular consequence: missense variant.
Genome position (GRCh38, 1-based): chrX:124,653,751, C>T on the plus strand (G>A on the coding strand, the complement: TENM1 is on the minus strand). VCF-style: chrX-124653751-C-T. GRCh37 (hg19) VCF-style: chrX-123787601-C-T.
Other names: c.1198G>A, p.Glu400Lys (NM_001163279.1); c.1201G>A, p.Glu401Lys (NM_014253.3); short protein forms E400K, E401K.
Identifiers: ClinVar variation 4865438 (VCV004865438.1).
Genomic context (GRCh38, chrX:124,653,751, plus strand): 5'-GGAAACGCCAGAATAAACCAGGTGGAATGGTCTGCATGACCTGTGCACCAATGTCAACTT[C>T]TCCAGTGTCTATCGCCCGTCCCTTCTGAAACACTAGTTTTAAAGGTAGAGAAAATTACAC-3'
Protein context (NP_001156750.1, residues 391-411): FQKGRAIDTG[Glu401Lys]VDIGAQVMQT

ClinVar aggregate classification (germline): Uncertain significance (1 of 4 stars; one submission).

gnomAD v4.1: 5 of 1,211,195 alleles (0.00041%); highest among the groups gnomAD compares: Admixed American, 0.0043%; no homozygotes.

Submission:

Ambry Genetics
Classification: Uncertain significance. Last evaluated: 2026-05-23. Review status: criteria provided, single submitter. Criteria: Ambry Variant Classification Scheme 2023. Collection method: clinical testing. Allele origin: germline.
Comment: The c.1201G>A (p.E401K) alteration is located in exon 7 (coding exon 7) of the TENM1 gene. This alteration results from a G to A substitution at nucleotide position 1201, causing the glutamic acid (E) at amino acid position 401 to be replaced by a lysine (K). Based on data from gnomAD, the A allele has an overall frequency of 0.001% (2/183009) total alleles studied. The highest observed frequency was 0.007% (2/27351) of Latino alleles. Based on insufficient or conflicting evidence, the clinical significance of this alteration remains unclear.